The following is an entry in ClinVar:

ClinVar aggregate classification (germline): Benign/Likely benign. Review status: criteria provided, multiple submitters, no conflicts (2 of 4 stars). 2 submissions from 2 submitters: Benign (1); Likely benign (1). Last evaluated 2026-06-01.

Allele frequency attached by ClinVar (database versions not stated): gnomAD 0.00006; gnomAD exomes 0.00007 and 0.00028; ESP Exome Variant Server 0.00008; TOPMed 0.00013; 1000 Genomes Project 30x 0.00016; 1000 Genomes Project 0.00020; ExAC 0.00034.
gnomAD v4.1: 114 of 1,613,220 alleles (0.0071%); highest among the groups gnomAD compares: Admixed American, 0.13%; 1 homozygote.

Submissions (2):

CeGaT Center for Human Genetics Tuebingen
Classification: Likely benign. Last evaluated: 2026-06-01. Review status: criteria provided, single submitter. Criteria: CeGaT Center For Human Genetics Tuebingen Variant Classification Criteria Version 2. Collection method: clinical testing. Allele origin: germline. Affected: yes. Observed: 1 variant allele.
Comment: CDH11: BP4, BP7

Labcorp Genetics (formerly Invitae), Labcorp
Classification: Benign. Last evaluated: 2018-12-19. Review status: criteria provided, single submitter. Criteria: Invitae Variant Classification Sherloc (09022015). Collection method: clinical testing. Allele origin: germline.

NM_001797.4(CDH11):c.1563G>A (p.Thr521=)

Gene: CDH11 (cadherin 11; minus strand). Cytogenetic location: 16q21.
Variant type: single nucleotide variant.
Coding change: c.1563G>A on transcript NM_001797.4 (MANE Select); coding-DNA position 1563, G replaced by A.
Protein change: p.Thr521=; no amino-acid change (threonine 521 retained).
Molecular consequence: synonymous variant.
Genome position (GRCh38, 1-based): chr16:64,971,658, C>T on the plus strand (G>A on the coding strand, the complement: CDH11 is on the minus strand). VCF-style: chr16-64971658-C-T. GRCh37 (hg19) VCF-style: chr16-65005561-C-T.
Other names: c.1563G>A, p.Thr521= (NM_001308392.2); c.1185G>A, p.Thr395= (NM_001330576.2).
Identifiers: ClinVar variation 740670 (VCV000740670.5), dbSNP rs200404897, ClinGen allele CA8092071.
Genomic context (GRCh38, chr16:64,971,658, plus strand): 5'-GAAATTTGGATTGTGAATGATTTCAGGGGGTAGGCTGAAGATAAATCTTGGTCCATTGGC[C>T]GTGTCATCCTTGTCATCTGCACTAATTGTAACAATTGGCTGAAAGAGAAAGGTGGCCCAT-3'
Protein context (NP_001788.2, residues 511-531): VTISADDKDD[Thr521=]ANGPRFIFSL